The following is an entry in ClinVar:

ClinVar aggregate classification (germline): Likely benign (1 of 4 stars; one submission).

gnomAD v4.1: 32 of 1,613,318 alleles (0.002%); highest among the groups gnomAD compares: Middle Eastern, 0.083%; 1 homozygote.

Submission:

Mayo Clinic Laboratories, Mayo Clinic
Classification: Likely benign. Last evaluated: 2024-10-22. Review status: criteria provided, single submitter. Criteria: ACMG Guidelines, 2015. Collection method: clinical testing. Allele origin: germline. Observed: 3 variant alleles.
Comment: BP4, BP7, PM2_moderate

NM_003126.4(SPTA1):c.812+28A>G

Gene: SPTA1 (spectrin alpha, erythrocytic 1; minus strand). Cytogenetic location: 1q23.1.
Variant type: single nucleotide variant.
Coding change: c.812+28A>G on transcript NM_003126.4 (MANE Select); 28 bases into the intron after coding-DNA position 812, A replaced by G.
Molecular consequence: intron variant.
Genome position (GRCh38, 1-based): chr1:158,678,373, T>C on the plus strand (A>G on the coding strand, the complement: SPTA1 is on the minus strand). VCF-style: chr1-158678373-T-C. GRCh37 (hg19) VCF-style: chr1-158648163-T-C.
Other names: p.?.
Identifiers: ClinVar variation 4683662 (VCV004683662.1).